The following is an entry in ClinVar:

NM_001377.3(DYNC2H1):c.11525G>A (p.Arg3842His)

Gene: DYNC2H1 (dynein cytoplasmic 2 heavy chain 1; plus strand). Cytogenetic location: 11q22.3.
Variant type: single nucleotide variant.
Coding change: c.11525G>A on transcript NM_001377.3 (MANE Select); coding-DNA position 11525, G replaced by A.
Protein change: p.Arg3842His; replaces arginine 3842 with histidine.
Molecular consequence: missense variant.
Genome position (GRCh38, 1-based): chr11:103,311,909, G>A. VCF-style: chr11-103311909-G-A. GRCh37 (hg19) VCF-style: chr11-103182638-G-A.
Other names: c.11546G>A, p.Arg3849His (NM_001080463.2); short protein forms R3842H, R3849H.
Identifiers: ClinVar variation 1412150 (VCV001412150.4), dbSNP rs759231451, ClinGen allele CA6255306.
Genomic context (GRCh38, chr11:103,311,909, plus strand): 5'-AATAGGATGTCTGTTGATTTTTTTTCTAGTCACCTCCAGGTTTAAAGAAGAATTTAATGC[G>A]TACTTATGAGTCTTGGACTCCTGAGCAAATTAGCAAAAAAGATAATACACATCGAGCTCA-3'
Protein context (NP_001368.2, residues 3832-3852): SPPGLKKNLM[Arg3842His]TYESWTPEQI

ClinVar aggregate classification (germline): Uncertain significance. Review status: criteria provided, multiple submitters, no conflicts (2 of 4 stars). 2 submissions from 2 submitters: Uncertain significance (2). Last evaluated 2024-07-18.

Conditions:
Jeune thoracic dystrophy. Also called: Short-rib thoracic dysplasia; Jeune syndrome; Infantile thoracic dystrophy; Thoracic pelvic phalangeal dystrophy; Jeune's syndrome; Chondroectodermal dysplasia-like syndrome. Identifiers: Orphanet 474, MedGen C0265275, MONDO:0018770.

Allele frequency attached by ClinVar (database versions not stated): ExAC 0.00003; gnomAD 0.00003; gnomAD exomes 0.00003; TOPMed 0.00003.
gnomAD v4.1: 50 of 1,611,592 alleles (0.0031%); highest among the groups gnomAD compares: Admixed American, 0.0084%; no homozygotes.

Submissions (2):

Blueprint Genetics
Classification: Uncertain significance. Last evaluated: 2024-07-18. Review status: criteria provided, single submitter. Criteria: ACMG Guidelines, 2015. Collection method: clinical testing. Allele origin: germline.

Labcorp Genetics (formerly Invitae), Labcorp
Classification: Uncertain significance for Jeune thoracic dystrophy. Last evaluated: 2022-08-08. Review status: criteria provided, single submitter. Criteria: Invitae Variant Classification Sherloc (09022015). Collection method: clinical testing. Allele origin: germline.
Comment: This sequence change replaces arginine, which is basic and polar, with histidine, which is basic and polar, at codon 3849 of the DYNC2H1 protein (p.Arg3849His). This variant is present in population databases (rs759231451, gnomAD 0.009%). This variant has not been reported in the literature in individuals affected with DYNC2H1-related conditions. ClinVar contains an entry for this variant (Variation ID: 1412150). Algorithms developed to predict the effect of missense changes on protein structure and function (SIFT, PolyPhen-2, Align-GVGD) all suggest that this variant is likely to be disruptive. In summary, the available evidence is currently insufficient to determine the role of this variant in disease. Therefore, it has been classified as a Variant of Uncertain Significance.